The following is an entry in ClinVar:

ClinVar aggregate classification (germline): Uncertain significance (1 of 4 stars; one submission).

Conditions:
3-Methylglutaconic aciduria type 2 (BTHS). Also called: CARDIOSKELETAL MYOPATHY WITH NEUTROPENIA AND ABNORMAL MITOCHONDRIA; Barth syndrome. Identifiers: Orphanet 111, MedGen C0574083, MONDO:0010543, OMIM 302060.

Submission:

Labcorp Genetics (formerly Invitae), Labcorp
Classification: Uncertain significance for 3-Methylglutaconic aciduria type 2. Last evaluated: 2024-04-29. Review status: criteria provided, single submitter. Criteria: Invitae Variant Classification Sherloc (09022015). Collection method: clinical testing. Allele origin: germline.
Comment: This sequence change replaces isoleucine, which is neutral and non-polar, with methionine, which is neutral and non-polar, at codon 81 of the TAZ protein (p.Ile81Met). This variant is not present in population databases (gnomAD no frequency). This variant has not been reported in the literature in individuals affected with TAZ-related conditions. An algorithm developed to predict the effect of missense changes on protein structure and function (PolyPhen-2) suggests that this variant is likely to be tolerated. In summary, the available evidence is currently insufficient to determine the role of this variant in disease. Therefore, it has been classified as a Variant of Uncertain Significance.

NM_000116.5(TAFAZZIN):c.243C>G (p.Ile81Met)

Gene: TAFAZZIN (tafazzin, phospholipid-lysophospholipid transacylase; plus strand). Cytogenetic location: Xq28.
Variant type: single nucleotide variant.
Coding change: c.243C>G on transcript NM_000116.5 (MANE Select); coding-DNA position 243, C replaced by G.
Protein change: p.Ile81Met; replaces isoleucine 81 with methionine.
Molecular consequence: missense variant. On other transcripts: non-coding transcript variant (1).
Genome position (GRCh38, 1-based): chrX:154,413,211, C>G. VCF-style: chrX-154413211-C-G. GRCh37 (hg19) VCF-style: chrX-153641548-C-G.
Other names: c.297C>G, p.Ile99Met (NM_001303465.2, NM_001410698.1); c.243C>G, p.Ile81Met (NM_181311.4, NM_181312.4, NM_181313.4); short protein forms I81M, I99M.
Identifiers: ClinVar variation 3651524 (VCV003651524.2).